The following is an entry in ClinVar:

NM_007294.4(BRCA1):c.3316C>A (p.Pro1106Thr)

Genes: BRCA1 (BRCA1 DNA repair associated; minus strand), LOC126862571 (BRD4-independent group 4 enhancer GRCh37_chr17:41243136-41244335; plus strand). Cytogenetic location: 17q21.31.
Variant type: single nucleotide variant.
Coding change: c.3316C>A on transcript NM_007294.4 (MANE Select); coding-DNA position 3316, C replaced by A.
Protein change: p.Pro1106Thr; replaces proline 1106 with threonine.
Molecular consequence: missense variant. On other transcripts: intron variant (137).
Genome position (GRCh38, 1-based): chr17:43,092,215, G>T on the plus strand (C>A on the coding strand, the complement: BRCA1 is on the minus strand). VCF-style: chr17-43092215-G-T. GRCh37 (hg19) VCF-style: chr17-41244232-G-T.
Other names: c.2983C>A, p.Pro995Thr (NM_001407950.1, NM_001407951.1, NM_001407952.1 and 6 more transcripts); c.2980C>A, p.Pro994Thr (NM_001407954.1, NM_001407955.1, NM_001407956.1 and 1 more transcripts); c.2935C>A, p.Pro979Thr (NM_001407959.1, NM_001407960.1, NM_001407963.1); c.3193C>A, p.Pro1065Thr (NM_001407668.1, NM_001407669.1, NM_001407674.1 and 19 more transcripts); c.3190C>A, p.Pro1064Thr (NM_001407670.1, NM_001407671.1, NM_001407672.1 and 11 more transcripts); c.548-1183C>A (NM_001408494.1); c.665-1183C>A (NM_001408444.1, NM_001408438.1, NM_001408430.1 and 12 more transcripts); c.671-1183C>A (NM_001408423.1, NM_001408420.1, NM_001408419.1 and 2 more transcripts); and 41 more; short protein forms P1017T, P1018T, P1035T, P1036T, P1038T, P1039T, P1058T, P1059T.
Identifiers: ClinVar variation 4856545 (VCV004856545.1).
Genomic context (GRCh38, chr17:43,092,215, plus strand): 5'-GAGAGAAATCTGTATTAACAGTCTGAACTACTTCTTCATATTCTTGCTTTTTTATTTCAG[G>T]ATGCTTACAATTACTTCCAGGAAGACTTTGTTTATAGACCTCAGGTTGCAAAACCCCTAA-3'
Protein context (NP_009225.1, residues 1096-1116): QSLPGSNCKH[Pro1106Thr]EIKKQEYEEV

ClinVar aggregate classification (germline): Likely benign (1 of 4 stars; one submission).

Conditions:
Breast-ovarian cancer, familial, susceptibility to, 1 (BROVCA1). Also called: OVARIAN CANCER, SUSCEPTIBILITY TO; BRCA1 Hereditary Breast and Ovarian Cancer. Identifiers: Orphanet 145, MedGen C2676676, MONDO:0011450, OMIM 604370. Disease mechanism: loss of function.

gnomAD v4.1: 1 of 1,613,228 alleles (0.000062%); highest among the groups gnomAD compares: South Asian, 0.0011%; no homozygotes.

Submission:

Cancer Bioinformatics and Tumour Evolution Laboratory, Monash University
Classification: Likely benign for Breast-ovarian cancer, familial, susceptibility to, 1. Last evaluated: 2026-05-01. Review status: criteria provided, single submitter. Criteria: ClinGen BRCA1 and BRCA2 Guidelines, 2024. Collection method: curation. Allele origin: germline. Inheritance: Autosomal dominant inheritance.
Comment: Missense variant outside of a functional domain with no splice impact. BRCA1 and BRCA2 VCEP guidelines recommend application of BP1_Strong (PMID: 39142283)